The following is an entry in ClinVar:

NM_016373.4(WWOX):c.650C>T (p.Pro217Leu)

Gene: WWOX (WW domain containing oxidoreductase; plus strand). Cytogenetic location: 16q23.1.
Variant type: single nucleotide variant.
Coding change: c.650C>T on transcript NM_016373.4 (MANE Select); coding-DNA position 650, C replaced by T.
Protein change: p.Pro217Leu; replaces proline 217 with leucine.
Molecular consequence: missense variant.
Genome position (GRCh38, 1-based): chr16:78,424,914, C>T. VCF-style: chr16-78424914-C-T. GRCh37 (hg19) VCF-style: chr16-78458811-C-T.
Other names: c.311C>T, p.Pro104Leu (NM_001291997.2); short protein forms P217L, P104L.
Identifiers: ClinVar variation 2088668 (VCV002088668.2), dbSNP rs777579075, ClinGen allele CA8183403.

ClinVar aggregate classification (germline): Uncertain significance (1 of 4 stars; one submission).

Conditions:
Autosomal recessive spinocerebellar ataxia 12. Also called: SPINOCEREBELLAR ATAXIA WITH MENTAL RETARDATION AND EPILEPSY. Identifiers: Orphanet 284282, MedGen C3280452, MONDO:0013687, OMIM 614322.
Developmental and epileptic encephalopathy, 1 (DEE1). Also called: X-linked infantile spasms; West's syndrome; Tonic spasms with clustering, arrest of psychomotor development and hypsarrhythmia on EEG; X-Linked Infantile Spasm Syndrome; OHTAHARA SYNDROME, X-LINKED; Epileptic encephalopathy, early infantile, 1. Identifiers: MedGen C3463992, MONDO:0010632, OMIM 308350. Disease mechanism: loss of function.

Allele frequency attached by ClinVar (database versions not stated): gnomAD exomes below 0.00001; ExAC 0.00001; gnomAD 0.00001.
gnomAD v4.1: 8 of 1,613,934 alleles (0.0005%); highest among the groups gnomAD compares: East Asian, 0.0089%; no homozygotes.

Submission:

Labcorp Genetics (formerly Invitae), Labcorp
Classification: Uncertain significance for Developmental and epileptic encephalopathy, 1; Autosomal recessive spinocerebellar ataxia 12. Last evaluated: 2023-07-07. Review status: criteria provided, single submitter. Criteria: Invitae Variant Classification Sherloc (09022015). Collection method: clinical testing. Allele origin: germline.
Comment: This sequence change replaces proline, which is neutral and non-polar, with leucine, which is neutral and non-polar, at codon 217 of the WWOX protein (p.Pro217Leu). This variant is present in population databases (rs777579075, gnomAD 0.006%). This variant has not been reported in the literature in individuals affected with WWOX-related conditions. ClinVar contains an entry for this variant (Variation ID: 2088668). Advanced modeling of protein sequence and biophysical properties (such as structural, functional, and spatial information, amino acid conservation, physicochemical variation, residue mobility, and thermodynamic stability) performed at Invitae indicates that this missense variant is expected to disrupt WWOX protein function. In summary, the available evidence is currently insufficient to determine the role of this variant in disease. Therefore, it has been classified as a Variant of Uncertain Significance.